The following is an entry in ClinVar:

NM_001297.5(CNGB1):c.217+5G>C

Gene: CNGB1 (cyclic nucleotide gated channel subunit beta 1; minus strand). Cytogenetic location: 16q21.
Variant type: single nucleotide variant.
Coding change: c.217+5G>C on transcript NM_001297.5 (MANE Select); 5 bases into the intron after coding-DNA position 217, G replaced by C.
Molecular consequence: intron variant.
Genome position (GRCh38, 1-based): chr16:57,964,482, C>G on the plus strand (G>C on the coding strand, the complement: CNGB1 is on the minus strand). VCF-style: chr16-57964482-C-G. GRCh37 (hg19) VCF-style: chr16-57998386-C-G.
Other names: c.217+5G>C (NM_001286130.2, NM_001135639.2).
Identifiers: ClinVar variation 143124 (VCV000143124.18), dbSNP rs527236060, ClinGen allele CA270081.

ClinVar aggregate classification (germline): Pathogenic/Likely pathogenic. Review status: criteria provided, multiple submitters, no conflicts (2 of 4 stars). 8 submissions from 8 submitters: Pathogenic (3); Likely pathogenic (4). 1 of the submissions does not count toward it. Last evaluated 2026-06-08.

Conditions:
CNGB1-related disorder. Also called: CNGB1-related condition.
Retinitis pigmentosa (RP). Identifiers: Orphanet 791, MedGen C0035334, MeSH D012174, MONDO:0019200, OMIM 268000. Inheritance: Autosomal dominant, autosomal recessive and X linked inheritance.
Retinitis pigmentosa 45 (RP45). Identifiers: Orphanet 791, MedGen C3151066, MONDO:0013413, OMIM 613767.

Allele frequency attached by ClinVar (database versions not stated): gnomAD 0.00002; TOPMed 0.00004.
gnomAD v4.1: 31 of 1,614,064 alleles (0.0019%); highest among the groups gnomAD compares: East Asian, 0.067%; no homozygotes.

Submissions (8):

PreventionGenetics, part of Exact Sciences
Classification: Likely pathogenic for CNGB1-related condition. Last evaluated: 2026-06-08. Review status: criteria provided, single submitter. Criteria: ACMG Guidelines, 2015. Collection method: clinical testing. Allele origin: germline.
Comment: The CNGB1 c.217+5G>C variant is predicted to interfere with splicing. This variant has been reported in individuals with CNGB1-related retinal disease (supplementary table 5, Oishi et al. 2014. PubMed ID: 25324289; Table S2, Gao et al. 2019. PubMed ID: 31054281; Table S3, Kim et al. 2021. PubMed ID: 34721897). In silico studies suggest that this variant may impact splicing (Table S1, Nassisi et al. 2021. PubMed ID: 33847019; SpliceAI, Jaganathan et al. 2019. PubMed ID: 30661751). However, the use of computer prediction programs is not equivalent to functional evidence. This variant is reported in 0.067% of alleles in individuals of East Asian descent in gnomAD. This variant is interpreted as likely pathogenic.

Labcorp Genetics (formerly Invitae), Labcorp
Classification: Pathogenic. Last evaluated: 2026-01-13. Review status: criteria provided, single submitter. Criteria: Invitae Variant Classification Sherloc (09022015). Collection method: clinical testing. Allele origin: germline.
Comment: This sequence change falls in intron 3 of the CNGB1 gene. It does not directly change the encoded amino acid sequence of the CNGB1 protein. It affects a nucleotide within the consensus splice site. The frequency data for this variant in the population databases is considered unreliable, as metrics indicate poor data quality at this position in the gnomAD database. This variant has been observed in individuals with retinitis pigmentosa (PMID: 25324289; internal data). ClinVar contains an entry for this variant (Variation ID: 143124). Variants that disrupt the consensus splice site are a relatively common cause of aberrant splicing (PMID: 17576681, 9536098). Algorithms developed to predict the effect of sequence changes on RNA splicing suggest that this variant may disrupt the consensus splice site. For these reasons, this variant has been classified as Pathogenic.

3billion
Classification: Pathogenic for Retinitis pigmentosa 45. Last evaluated: 2024-10-23. Review status: criteria provided, single submitter. Criteria: ACMG Guidelines, 2015. Collection method: clinical testing. Allele origin: germline. Affected: yes.
Comment: The variant is observed at an extremely low frequency in the gnomAD v4.1.0 dataset (total allele frequency: 0.002%). Predicted Consequence/Location: Intron variant In silico tools predict the variant to alter splicing and produce an abnormal transcript [SpliceAI: 0.90 (>=0.2, moderate evidence for spliceogenicity)]. The variant has been reported to be in trans with a pathogenic variant as either compound heterozygous or homozygous in at least one similarly affected unrelated individual (PMID: 33847019, 33946315). The variant has been reported at least twice as pathogenic with clinical assertions and evidence for the classification (ClinVar ID: VCV000143124 /PMID: 25324289 /3billion dataset). Therefore, this variant is classified as Pathogenic according to the recommendation of ACMG/AMP guideline.

Blueprint Genetics
Classification: Pathogenic for CNGB1-related disorders. Last evaluated: 2024-05-31. Review status: criteria provided, single submitter. Criteria: ACMG Guidelines, 2015. Collection method: clinical testing. Allele origin: germline. Affected: yes. Observed: 5 variant alleles.

GeneDx
Classification: Likely pathogenic. Last evaluated: 2022-12-21. Review status: criteria provided, single submitter. Criteria: GeneDx Variant Classification Process June 2021. Collection method: clinical testing. Allele origin: germline. Affected: yes.
Comment: Intronic +5 splice site variant in a gene for which loss of function is a known mechanism of disease, and splice predictors support a deleterious effect; Identified in individuals in the published literature with childhood onset night blindness who also harbored a second variant in CNGB1, although the phase of these variants was not confirmed (Nassisi et al., 2021); This variant is associated with the following publications: (PMID: 31054281, 33946315, 33847019, 25324289)

Fulgent Genetics
Classification: Likely pathogenic for Retinitis pigmentosa 45. Last evaluated: 2022-03-03. Review status: criteria provided, single submitter. Criteria: ACMG Guidelines, 2015. Collection method: clinical testing. Allele origin: unknown.

Juno Genomics, Hangzhou Juno Genomics, Inc
Classification: Likely pathogenic for Retinitis pigmentosa 45. Review status: criteria provided, single submitter. Criteria: ACMG Guidelines, 2015. Collection method: clinical testing. Allele origin: germline.
Comment: Absent from controls (or at extremely low frequency if recessive) in Genome Aggregation Database.;Multiple lines of computational evidence support a deleterious effect on the gene or gene product.;For recessive disorders, detected in trans with a pathogenic variant.;Patient's phenotype or family history is highly specific for a disease with a single genetic etiology.

Department of Ophthalmology and Visual Sciences Kyoto University
Classification: Likely pathogenic for Retinitis pigmentosa. Review status: no assertion criteria provided. Collection method: not provided. Allele origin: unknown. Not counted in ClinVar's aggregate classification.
ClinVar note: Converted during submission from probable-pathogenic to Likely pathogenic.

Literature cited by the submitters: PubMed 25324289 (cited by Labcorp Genetics (formerly Invitae), Labcorp and 3billion); PubMed 17576681 (cited by Labcorp Genetics (formerly Invitae), Labcorp); PubMed 9536098 (cited by Labcorp Genetics (formerly Invitae), Labcorp); PubMed 33847019 (cited by 3billion); PubMed 33946315 (cited by 3billion).